The following is an entry in ClinVar:

ClinVar aggregate classification (germline): Uncertain significance (1 of 4 stars; one submission).

Submission:

Labcorp Genetics (formerly Invitae), Labcorp
Classification: Uncertain significance. Last evaluated: 2022-07-03. Review status: criteria provided, single submitter. Criteria: Invitae Variant Classification Sherloc (09022015). Collection method: clinical testing. Allele origin: germline.
Comment: This variant is not present in population databases (gnomAD no frequency). In summary, the available evidence is currently insufficient to determine the role of this variant in disease. Therefore, it has been classified as a Variant of Uncertain Significance. Algorithms developed to predict the effect of missense changes on protein structure and function are either unavailable or do not agree on the potential impact of this missense change (SIFT: "Deleterious"; PolyPhen-2: "Possibly Damaging"; Align-GVGD: "Class C15"). This variant has not been reported in the literature in individuals affected with NKX3-2-related conditions. This sequence change replaces aspartic acid, which is acidic and polar, with glycine, which is neutral and non-polar, at codon 137 of the NKX3-2 protein (p.Asp137Gly).

NM_001189.4(NKX3-2):c.410A>G (p.Asp137Gly)

Gene: NKX3-2 (NK3 homeobox 2; minus strand). Cytogenetic location: 4p15.33.
Variant type: single nucleotide variant.
Coding change: c.410A>G on transcript NM_001189.4 (MANE Select); coding-DNA position 410, A replaced by G.
Protein change: p.Asp137Gly; replaces aspartic acid 137 with glycine.
Molecular consequence: missense variant.
Genome position (GRCh38, 1-based): chr4:13,544,005, T>C on the plus strand (A>G on the coding strand, the complement: NKX3-2 is on the minus strand). VCF-style: chr4-13544005-T-C. GRCh37 (hg19) VCF-style: chr4-13545629-T-C.
Other names: short protein forms D137G.
Identifiers: ClinVar variation 2008144 (VCV002008144.4), dbSNP rs2474460972, ClinGen allele CA356377432.